The following is an entry in ClinVar:

NM_182493.3(MYLK3):c.1079T>C (p.Leu360Pro)

Gene: MYLK3 (myosin light chain kinase 3; minus strand). Cytogenetic location: 16q11.2.
Variant type: single nucleotide variant.
Coding change: c.1079T>C on transcript NM_182493.3 (MANE Select); coding-DNA position 1079, T replaced by C.
Protein change: p.Leu360Pro; replaces leucine 360 with proline.
Molecular consequence: missense variant.
Genome position (GRCh38, 1-based): chr16:46,732,591, A>G on the plus strand (T>C on the coding strand, the complement: MYLK3 is on the minus strand). VCF-style: chr16-46732591-A-G. GRCh37 (hg19) VCF-style: chr16-46766503-A-G.
Other names: c.56T>C, p.Leu19Pro (NM_001308301.1); short protein forms L360P, L19P.
Identifiers: ClinVar variation 3722512 (VCV003722512.2).

ClinVar aggregate classification (germline): Uncertain significance (1 of 4 stars; one submission).

Submission:

Labcorp Genetics (formerly Invitae), Labcorp
Classification: Uncertain significance. Last evaluated: 2024-10-09. Review status: criteria provided, single submitter. Criteria: Invitae Variant Classification Sherloc (09022015). Collection method: clinical testing. Allele origin: germline.
Comment: This sequence change replaces leucine, which is neutral and non-polar, with proline, which is neutral and non-polar, at codon 360 of the MYLK3 protein (p.Leu360Pro). This variant is not present in population databases (gnomAD no frequency). This variant has not been reported in the literature in individuals affected with MYLK3-related conditions. An algorithm developed to predict the effect of missense changes on protein structure and function outputs the following: PolyPhen-2: "Benign". The proline amino acid residue is found in multiple mammalian species, which suggests that this missense change does not adversely affect protein function. In summary, the available evidence is currently insufficient to determine the role of this variant in disease. Therefore, it has been classified as a Variant of Uncertain Significance.